The following is an entry in ClinVar:

ClinVar aggregate classification (germline): Likely benign. Review status: criteria provided, multiple submitters, no conflicts (2 of 4 stars). 3 submissions from 3 submitters: Likely benign (2). 1 of the submissions does not count toward it. Last evaluated 2025-02-16.

Conditions:
SMARCC2-related disorder. Also called: SMARCC2-related condition.

Allele frequency attached by ClinVar (database versions not stated): gnomAD exomes 0.00018; TOPMed 0.00025; ExAC 0.00029; 1000 Genomes Project 30x 0.00031; gnomAD 0.00033; ESP Exome Variant Server 0.00031.
gnomAD v4.1: 308 of 1,613,782 alleles (0.019%); highest among the groups gnomAD compares: Non-Finnish European, 0.023%; no homozygotes.

Submissions (3):

Laboratory of Genetics, Children's Clinical University Hospital Latvia
Classification: Likely benign. Last evaluated: 2025-02-16. Review status: criteria provided, single submitter. Criteria: ACMG Guidelines, 2015. Collection method: clinical testing. Allele origin: germline. Affected: yes.

CeGaT Center for Human Genetics Tuebingen
Classification: Likely benign. Last evaluated: 2023-02-01. Review status: criteria provided, single submitter. Criteria: CeGaT Center For Human Genetics Tuebingen Variant Classification Criteria Version 2. Collection method: clinical testing. Allele origin: germline. Affected: yes. Observed: 1 variant allele.
Comment: SMARCC2: BP4, BS2

PreventionGenetics, part of Exact Sciences
Classification: Likely benign for SMARCC2-related condition. Last evaluated: 2019-10-28. Review status: no assertion criteria provided. Collection method: clinical testing. Allele origin: germline. Not counted in ClinVar's aggregate classification.
Comment: This variant is classified as likely benign based on ACMG/AMP sequence variant interpretation guidelines (Richards et al. 2015 PMID: 25741868, with internal and published modifications).

NM_001330288.2(SMARCC2):c.3591C>T (p.Ala1197=)

Gene: SMARCC2 (SWI/SNF related BAF chromatin remodeling complex subunit C2; minus strand). Cytogenetic location: 12q13.2.
Variant type: single nucleotide variant.
Coding change: c.3591C>T on transcript NM_001330288.2 (MANE Select); coding-DNA position 3591, C replaced by T.
Protein change: p.Ala1197=; no amino-acid change (alanine 1197 retained).
Molecular consequence: synonymous variant. On other transcripts: intron variant (2).
Genome position (GRCh38, 1-based): chr12:56,164,373, G>A on the plus strand (C>T on the coding strand, the complement: SMARCC2 is on the minus strand). VCF-style: chr12-56164373-G-A. GRCh37 (hg19) VCF-style: chr12-56558157-G-A.
Other names: c.3498C>T, p.Ala1166= (NM_003075.5); c.3316+275C>T (NM_139067.4); c.3317-5C>T (NM_001130420.3); c.3498C>T (NM_003075.4).
Identifiers: ClinVar variation 2643070 (VCV002643070.26), dbSNP rs145229969, ClinGen allele CA6625505.
Genomic context (GRCh38, chr12:56,164,373, plus strand): 5'-GCTGGCACTGGGCAGGAGGTTGCCCTGAACAGCTGCCACAATGGCAGGGCTTTGGGCTGC[G>A]GCGGATCCGAGCCCCGGCCCGAGAGGCAAGGAAGATGGCATGGTGGTGGTCGCCGGCAGG-3'
Protein context (NP_001317217.1, residues 1187-1207): SLPLGPGLGS[Ala1197=]AAQSPAIVAA